The following is an entry in ClinVar:

ClinVar aggregate classification (germline): Uncertain significance (0 of 4 stars; one submission).

Submission:

Martin Pollak Laboratory,  Beth Israel Deaconess Medical Center
Classification: Uncertain significance. Review status: no assertion criteria provided. Collection method: not provided. Allele origin: unknown.
Comment: Lower and higher UCa2+ groups
ClinVar note: Converted during submission from unknown to Uncertain significance.

NM_001177316.2(SLC34A3):c.245G>T (p.Ser82Ile)

Gene: SLC34A3 (solute carrier family 34 member 3; plus strand). Cytogenetic location: 9q34.3.
Variant type: single nucleotide variant.
Coding change: c.245G>T on transcript NM_001177316.2 (MANE Select); coding-DNA position 245, G replaced by T.
Protein change: p.Ser82Ile; replaces serine 82 with isoleucine.
Molecular consequence: missense variant.
Genome position (GRCh38, 1-based): chr9:137,232,644, G>T. VCF-style: chr9-137232644-G-T. GRCh37 (hg19) VCF-style: chr9-140127096-G-T.
Other names: c.245G>T, p.Ser82Ile (NM_001177317.2, NM_080877.3); short protein forms S82I.
Identifiers: ClinVar variation 64500 (VCV000064500.3), dbSNP rs387907509, ClinGen allele CA216283.